The following is an entry in ClinVar:

ClinVar aggregate classification (germline): Uncertain significance (1 of 4 stars; one submission).

Submission:

GeneDx
Classification: Uncertain significance. Last evaluated: 2024-04-23. Review status: criteria provided, single submitter. Criteria: GeneDx Variant Classification Process June 2021. Collection method: clinical testing. Allele origin: germline. Affected: yes.
Comment: Not observed at significant frequency in large population cohorts (gnomAD); In silico analysis supports that this missense variant has a deleterious effect on protein structure/function; In silico analysis is inconclusive as to whether the variant alters gene splicing. In the absence of RNA/functional studies, the actual effect of this sequence change is unknown.; Has not been previously published as pathogenic or benign to our knowledge

NM_001127644.2(GABRA1):c.856G>C (p.Gly286Arg)

Gene: GABRA1 (gamma-aminobutyric acid type A receptor subunit alpha1; plus strand). Cytogenetic location: 5q34.
Variant type: single nucleotide variant.
Coding change: c.856G>C on transcript NM_001127644.2 (MANE Select); coding-DNA position 856, G replaced by C.
Protein change: p.Gly286Arg; replaces glycine 286 with arginine.
Molecular consequence: missense variant.
Genome position (GRCh38, 1-based): chr5:161,891,050, G>C. VCF-style: chr5-161891050-G-C. GRCh37 (hg19) VCF-style: chr5-161318056-G-C.
Other names: c.856G>C, p.Gly286Arg (NM_000806.5, NM_001127643.2, NM_001127645.2 and 1 more transcripts); short protein forms G286R.
Identifiers: ClinVar variation 3372831 (VCV003372831.1).